The following is an entry in ClinVar:

NM_005996.4(TBX3):c.2101C>G (p.Leu701Val)

Gene: TBX3 (T-box transcription factor 3; minus strand). Cytogenetic location: 12q24.21.
Variant type: single nucleotide variant.
Coding change: c.2101C>G on transcript NM_005996.4 (MANE Select); coding-DNA position 2101, C replaced by G.
Protein change: p.Leu701Val; replaces leucine 701 with valine.
Molecular consequence: missense variant.
Genome position (GRCh38, 1-based): chr12:114,671,912, G>C on the plus strand (C>G on the coding strand, the complement: TBX3 is on the minus strand). VCF-style: chr12-114671912-G-C. GRCh37 (hg19) VCF-style: chr12-115109717-G-C.
Other names: c.2161C>G, p.Leu721Val (NM_016569.4); short protein forms L701V, L721V.
Identifiers: ClinVar variation 3344225 (VCV003344225.1).

ClinVar aggregate classification (germline): Uncertain significance (0 of 4 stars; one submission).

Conditions:
TBX3-related disorder. Also called: TBX3-related condition.

Submission:

PreventionGenetics, part of Exact Sciences
Classification: Uncertain significance for TBX3-related condition. Last evaluated: 2024-05-30. Review status: no assertion criteria provided. Collection method: clinical testing. Allele origin: germline.
Comment: The TBX3 c.2161C>G variant is predicted to result in the amino acid substitution p.Leu721Val. To our knowledge, this variant has not been reported in the literature or in a large population database, indicating this variant is rare. At this time, the clinical significance of this variant is uncertain due to the absence of conclusive functional and genetic evidence.